The following is an entry in ClinVar:

ClinVar aggregate classification (germline): Uncertain significance. Review status: criteria provided, multiple submitters, no conflicts (2 of 4 stars). 2 submissions from 2 submitters: Uncertain significance (2). Last evaluated 2025-05-18.

gnomAD v4.1: 3 of 1,609,418 alleles (0.00019%); highest among the groups gnomAD compares: African/African-American, 0.004%; no homozygotes.

Submissions (2):

Ambry Genetics
Classification: Uncertain significance. Last evaluated: 2025-05-18. Review status: criteria provided, single submitter. Criteria: Ambry Variant Classification Scheme 2023. Collection method: clinical testing. Allele origin: germline.

GeneDx
Classification: Uncertain significance. Last evaluated: 2024-03-20. Review status: criteria provided, single submitter. Criteria: GeneDx Variant Classification Process June 2021. Collection method: clinical testing. Allele origin: germline. Affected: yes.
Comment: Not observed at significant frequency in large population cohorts (gnomAD); In silico analysis supports that this missense variant does not alter protein structure/function; Has not been previously published as pathogenic or benign to our knowledge

NM_001206927.2(DNAH8):c.3059G>A (p.Gly1020Glu)

Gene: DNAH8 (dynein axonemal heavy chain 8; plus strand). Cytogenetic location: 6p21.2.
Variant type: single nucleotide variant.
Coding change: c.3059G>A on transcript NM_001206927.2 (MANE Select); coding-DNA position 3059, G replaced by A.
Protein change: p.Gly1020Glu; replaces glycine 1020 with glutamic acid.
Molecular consequence: missense variant.
Genome position (GRCh38, 1-based): chr6:38,805,505, G>A. VCF-style: chr6-38805505-G-A. GRCh37 (hg19) VCF-style: chr6-38773281-G-A.
Other names: c.2408G>A, p.Gly803Glu (NM_001371.4); short protein forms G1020E, G803E.
Identifiers: ClinVar variation 3368837 (VCV003368837.2).